The following is an entry in ClinVar:

NM_001853.4(COL9A3):c.1270G>T (p.Gly424Cys)

Gene: COL9A3 (collagen type IX alpha 3 chain; plus strand). Cytogenetic location: 20q13.33.
Variant type: single nucleotide variant.
Coding change: c.1270G>T on transcript NM_001853.4 (MANE Select); coding-DNA position 1270, G replaced by T.
Protein change: p.Gly424Cys; replaces glycine 424 with cysteine.
Molecular consequence: missense variant.
Genome position (GRCh38, 1-based): chr20:62,830,571, G>T. VCF-style: chr20-62830571-G-T. GRCh37 (hg19) VCF-style: chr20-61461923-G-T.
Other names: short protein forms G424C.
Identifiers: ClinVar variation 3637725 (VCV003637725.2).
Genomic context (GRCh38, chr20:62,830,571, plus strand): 5'-CCCCAGGGCCAGAAGGGCAGCATGGGAGACCCCGGCCTTCCAGGCCCCCAGGGCCTCCGA[G>T]GTGACGTGGGCGACCGGGTAAGTGGCCCTCTCAGCAGGAAGCTCCCCTGCACCCCCTCTA-3'
Protein context (NP_001844.3, residues 414-434): PGLPGPQGLR[Gly424Cys]DVGDRGPGGA

ClinVar aggregate classification (germline): Uncertain significance (1 of 4 stars; one submission).

Submission:

Labcorp Genetics (formerly Invitae), Labcorp
Classification: Uncertain significance. Last evaluated: 2024-03-30. Review status: criteria provided, single submitter. Criteria: Invitae Variant Classification Sherloc (09022015). Collection method: clinical testing. Allele origin: germline.
Comment: This sequence change replaces glycine, which is neutral and non-polar, with cysteine, which is neutral and slightly polar, at codon 424 of the COL9A3 protein (p.Gly424Cys). This variant is not present in population databases (gnomAD no frequency). This variant has not been reported in the literature in individuals affected with COL9A3-related conditions. Advanced modeling of protein sequence and biophysical properties (such as structural, functional, and spatial information, amino acid conservation, physicochemical variation, residue mobility, and thermodynamic stability) performed at Invitae indicates that this missense variant is expected to disrupt COL9A3 protein function with a positive predictive value of 95%. In summary, the available evidence is currently insufficient to determine the role of this variant in disease. Therefore, it has been classified as a Variant of Uncertain Significance.